The following is an entry in ClinVar:

ClinVar aggregate classification (germline): Uncertain significance (1 of 4 stars; one submission).

Allele frequency attached by ClinVar (database versions not stated): gnomAD 0.00008; TOPMed 0.00008; 1000 Genomes Project 30x 0.00031.
gnomAD v4.1: 87 of 1,333,680 alleles (0.0065%); highest among the groups gnomAD compares: Admixed American, 0.08%; no homozygotes.

Submission:

CeGaT Center for Human Genetics Tuebingen
Classification: Uncertain significance. Last evaluated: 2026-06-01. Review status: criteria provided, single submitter. Criteria: CeGaT Center For Human Genetics Tuebingen Variant Classification Criteria Version 2. Collection method: clinical testing. Allele origin: germline. Affected: yes. Observed: 2 variant alleles.
Comment: CACNA1A: PP3

NM_001127222.2(CACNA1A):c.6841C>T (p.Arg2281Trp)

Gene: CACNA1A (calcium voltage-gated channel subunit alpha1 A; minus strand). Cytogenetic location: 19p13.13.
Variant type: single nucleotide variant.
Coding change: c.6841C>T on transcript NM_001127222.2 (MANE Select); coding-DNA position 6841, C replaced by T.
Protein change: p.Arg2281Trp; replaces arginine 2281 with tryptophan.
Molecular consequence: missense variant. On other transcripts: 3 prime UTR variant (3).
Genome position (GRCh38, 1-based): chr19:13,207,993, G>A on the plus strand (C>T on the coding strand, the complement: CACNA1A is on the minus strand). VCF-style: chr19-13207993-G-A. GRCh37 (hg19) VCF-style: chr19-13318807-G-A.
Other names: c.*53C>T (NM_000068.4, NM_001127221.2, NM_001174080.2); c.6859C>T, p.Arg2287Trp (NM_023035.3); short protein forms R2281W, R2287W.
Identifiers: ClinVar variation 3250694 (VCV003250694.18), dbSNP rs762678287.